The following is an entry in ClinVar:

ClinVar aggregate classification (germline): Uncertain significance (1 of 4 stars; one submission).

Conditions:
Junctional epidermolysis bullosa. Identifiers: Orphanet 305, MedGen C0079301, MONDO:0017612.

Submission:

Myriad Genetics, Inc.
Classification: Uncertain significance for Junctional epidermolysis bullosa. Last evaluated: 2025-12-22. Review status: criteria provided, single submitter. Criteria: Myriad Autosomal Dominant, Autosomal Recessive and X-Linked Classification Criteria (2023). Collection method: clinical testing. Allele origin: unknown.
Comment: NM_000228.2(LAMB3):c.*102_*105delCAGCinsTAGG is a 3' non-coding variant classified as a variant of uncertain significance in the context of junctional epidermolysis bullosa, LAMB3-related. c.*102_*105delCAGCinsTAGG has not been observed in cases with relevant disease. Relevant functional assessments of this variant are not available in the literature. c.*102_*105delCAGCinsTAGG has not been observed in referenced population frequency databases. In summary, there is insufficient evidence to classify NM_000228.2(LAMB3):c.*102_*105delCAGCinsTAGG as pathogenic or benign. Please note: this variant was assessed in the context of healthy population screening.

NM_000228.3(LAMB3):c.*102_*105delinsTAGG

Gene: LAMB3 (laminin subunit beta 3; minus strand). Cytogenetic location: 1q32.2.
Variant type: Indel.
Coding change: c.*102_*105delinsTAGG on transcript NM_000228.3 (MANE Select); 102 bases downstream of the stop codon through 105 bases downstream of the stop codon, CAGC replaced by TAGG.
Molecular consequence: 3 prime UTR variant.
Genome position (GRCh38, 1-based): chr1:209,615,166-209,615,169, GCTG replaced by CCTA on the plus strand (CAGC replaced by TAGG on the coding strand, the reverse complement: LAMB3 is on the minus strand). VCF-style: chr1-209615166-GCTG-CCTA. GRCh37 (hg19) VCF-style: chr1-209788511-GCTG-CCTA.
Other names: c.*102_*105delinsTAGG (NM_001017402.2, NM_001127641.1).
Identifiers: ClinVar variation 5003768 (VCV005003768.1).